The following is an entry in ClinVar:

NM_000539.3(RHO):c.68C>T (p.Pro23Leu)

Gene: RHO (rhodopsin; plus strand). Cytogenetic location: 3q22.1.
Variant type: single nucleotide variant.
Coding change: c.68C>T on transcript NM_000539.3 (MANE Select); coding-DNA position 68, C replaced by T.
Protein change: p.Pro23Leu; replaces proline 23 with leucine.
Molecular consequence: missense variant.
Genome position (GRCh38, 1-based): chr3:129,528,801, C>T. VCF-style: chr3-129528801-C-T. GRCh37 (hg19) VCF-style: chr3-129247644-C-T.
Other names: short protein forms P23L.
Identifiers: ClinVar variation 1071889 (VCV001071889.12), dbSNP rs104893768, ClinGen allele CA354495503.

ClinVar aggregate classification (germline): Pathogenic/Likely pathogenic. Review status: criteria provided, multiple submitters, no conflicts (2 of 4 stars). 5 submissions from 5 submitters: Pathogenic (4); Likely pathogenic (1). Last evaluated 2024-05-09.

Conditions:
RHO-related disorder. Also called: RHO-related condition.
Retinal dystrophy. Also called: Inherited retinal dystrophy. Identifiers: Orphanet 71862, MedGen C0854723, MeSH D058499, MONDO:0019118, HP:0000556.

Submissions (5):

Labcorp Genetics (formerly Invitae), Labcorp
Classification: Pathogenic. Last evaluated: 2024-05-09. Review status: criteria provided, single submitter. Criteria: Invitae Variant Classification Sherloc (09022015). Collection method: clinical testing. Allele origin: germline.
Comment: This sequence change replaces proline, which is neutral and non-polar, with leucine, which is neutral and non-polar, at codon 23 of the RHO protein (p.Pro23Leu). This variant is not present in population databases (gnomAD no frequency). This missense change has been observed in individuals with autosomal dominant inherited retinal dystrophy (PMID: 1833777; Invitae). ClinVar contains an entry for this variant (Variation ID: 1071889). Advanced modeling of protein sequence and biophysical properties (such as structural, functional, and spatial information, amino acid conservation, physicochemical variation, residue mobility, and thermodynamic stability) performed at Invitae indicates that this missense variant is expected to disrupt RHO protein function with a positive predictive value of 95%. Experimental studies have shown that this missense change affects RHO function (PMID: 8253795, 19913029, 24106275, 30977563). This variant disrupts the p.Pro23 amino acid residue in RHO. Other variant(s) that disrupt this residue have been determined to be pathogenic (PMID: 2137202, 28559085). This suggests that this residue is clinically significant, and that variants that disrupt this residue are likely to be disease-causing. For these reasons, this variant has been classified as Pathogenic.

Blueprint Genetics
Classification: Pathogenic for RHO-related disorders. Last evaluated: 2023-10-26. Review status: criteria provided, single submitter. Criteria: ACMG Guidelines, 2015. Collection method: clinical testing. Allele origin: germline. Affected: yes. Observed: 2 variant alleles.

Dept Of Ophthalmology, Nagoya University
Classification: Likely pathogenic for Retinal dystrophy. Last evaluated: 2023-10-01. Review status: criteria provided, single submitter. Criteria: Submitter's publication. Collection method: research. Allele origin: germline. Affected: yes.

GeneDx
Classification: Pathogenic. Last evaluated: 2022-09-12. Review status: criteria provided, single submitter. Criteria: GeneDx Variant Classification Process June 2021. Collection method: clinical testing. Allele origin: germline. Affected: yes.
Comment: Published functional studies demonstrate increased misfolding, decreased expression, and a damaging effect on transducin activation (Krebs et al., 2010; Opefi et al., 2013); Not observed at significant frequency in large population cohorts (gnomAD); In silico analysis supports that this missense variant has a deleterious effect on protein structure/function; This variant is associated with the following publications: (PMID: 1833777, 10668933, 35472194, 30977563, 19913029, 21094163, 8253795, 24106275, 27654411, 27149983)

Institute of Human Genetics, Univ. Regensburg, Univ. Regensburg
Classification: Pathogenic for Retinal dystrophy. Last evaluated: 2008-01-01. Review status: criteria provided, single submitter. Criteria: ACMG Guidelines, 2015. Collection method: clinical testing. Allele origin: germline. Affected: yes.

Literature cited by the submitters: PubMed 1833777 (cited by Labcorp Genetics (formerly Invitae), Labcorp and Institute of Human Genetics, Univ. Regensburg, Univ. Regensburg); PubMed 8253795 (cited by Labcorp Genetics (formerly Invitae), Labcorp); PubMed 19913029 (cited by Labcorp Genetics (formerly Invitae), Labcorp and Institute of Human Genetics, Univ. Regensburg, Univ. Regensburg); PubMed 24106275 (cited by Labcorp Genetics (formerly Invitae), Labcorp and Institute of Human Genetics, Univ. Regensburg, Univ. Regensburg); PubMed 30977563 (cited by Labcorp Genetics (formerly Invitae), Labcorp and Institute of Human Genetics, Univ. Regensburg, Univ. Regensburg); PubMed 2137202 (cited by Labcorp Genetics (formerly Invitae), Labcorp); PubMed 28559085 (cited by Labcorp Genetics (formerly Invitae), Labcorp); PubMed 10668933 (cited by Institute of Human Genetics, Univ. Regensburg, Univ. Regensburg); PubMed 21094163 (cited by Institute of Human Genetics, Univ. Regensburg, Univ. Regensburg); PubMed 31213501 (cited by Institute of Human Genetics, Univ. Regensburg, Univ. Regensburg).